The following is an entry in ClinVar:

NM_004204.5(PIGQ):c.1514G>A (p.Arg505Gln)

Gene: PIGQ (phosphatidylinositol glycan anchor biosynthesis class Q; plus strand). Cytogenetic location: 16p13.3.
Variant type: single nucleotide variant.
Coding change: c.1514G>A on transcript NM_004204.5 (MANE Select); coding-DNA position 1514, G replaced by A.
Protein change: p.Arg505Gln; replaces arginine 505 with glutamine.
Molecular consequence: missense variant.
Genome position (GRCh38, 1-based): chr16:580,955, G>A. VCF-style: chr16-580955-G-A. GRCh37 (hg19) VCF-style: chr16-630955-G-A.
Other names: c.1514G>A, p.Arg505Gln (NM_148920.4); short protein forms R505Q.
Identifiers: ClinVar variation 456033 (VCV000456033.6), dbSNP rs760318704, ClinGen allele CA7780324.

ClinVar aggregate classification (germline): Uncertain significance (1 of 4 stars; one submission).

Conditions:
Epilepsy. Also called: Seizure disorder. Identifiers: MedGen C0014544, MeSH D004827, MONDO:0005027.

Allele frequency attached by ClinVar (database versions not stated): gnomAD 0.00006; TOPMed 0.00006; ExAC 0.00002.
gnomAD v4.1: 44 of 1,607,298 alleles (0.0027%); highest among the groups gnomAD compares: African/African-American, 0.013%; no homozygotes.

Submission:

Labcorp Genetics (formerly Invitae), Labcorp
Classification: Uncertain significance for Epilepsy. Last evaluated: 2022-03-03. Review status: criteria provided, single submitter. Criteria: Invitae Variant Classification Sherloc (09022015). Collection method: clinical testing. Allele origin: germline.
Comment: This sequence change replaces arginine, which is basic and polar, with glutamine, which is neutral and polar, at codon 505 of the PIGQ protein (p.Arg505Gln). This variant is present in population databases (rs760318704, gnomAD 0.02%). This variant has not been reported in the literature in individuals affected with PIGQ-related conditions. ClinVar contains an entry for this variant (Variation ID: 456033). Algorithms developed to predict the effect of missense changes on protein structure and function (SIFT, PolyPhen-2, Align-GVGD) all suggest that this variant is likely to be tolerated. Algorithms developed to predict the effect of sequence changes on RNA splicing suggest that this variant may create or strengthen a splice site. In summary, the available evidence is currently insufficient to determine the role of this variant in disease. Therefore, it has been classified as a Variant of Uncertain Significance.